The following is an entry in ClinVar:

ClinVar aggregate classification (germline): Likely pathogenic (1 of 4 stars; one submission).

Conditions:
Mitochondrial myopathy-lactic acidosis-deafness syndrome. Identifiers: Orphanet 2597, MedGen C1855033, MONDO:0016825, OMIM 251950.

Submission:

Kariminejad - Najmabadi Pathology & Genetics Center
Classification: Likely pathogenic for Mitochondrial myopathy-lactic acidosis-deafness syndrome. Last evaluated: 2022-01-09. Review status: criteria provided, single submitter. Criteria: ACMG Guidelines, 2015. Collection method: clinical testing. Allele origin: germline. Inheritance: Autosomal recessive inheritance. Affected: yes.
Comment: PVS1_strong,PM2

NM_001256007.3(PNPLA8):c.1056+1G>A

Gene: PNPLA8 (patatin like domain 8, phospholipase A2; minus strand). Cytogenetic location: 7q31.1.
Variant type: single nucleotide variant.
Coding change: c.1056+1G>A on transcript NM_001256007.3 (MANE Select); the canonical splice donor site of the intron after coding-DNA position 1056, G replaced by A.
Molecular consequence: splice donor variant.
Genome position (GRCh38, 1-based): chr7:108,514,435, C>T on the plus strand (G>A on the coding strand, the complement: PNPLA8 is on the minus strand). VCF-style: chr7-108514435-C-T. GRCh37 (hg19) VCF-style: chr7-108154879-C-T.
Other names: c.756+1G>A (NM_001256011.3, NM_001256010.3); c.1056+1G>A (NM_001256009.3, NM_001256008.3, NM_015723.5).
Identifiers: ClinVar variation 3896954 (VCV003896954.1).
Genomic context (GRCh38, chr7:108,514,435, plus strand): 5'-AAATAAAACTTATAAATTTGACAAAAAGTAATAGAACCGAAAAGCACACTGAACAACTTG[C>T]CTTTTCTCGCTGAAGAGATAAACGCTTTTTCTCCTCTGCATTTCTGTCTTTGCTGACAGC-3'